The following is an entry in ClinVar:

ClinVar aggregate classification (germline): Likely pathogenic (1 of 4 stars; one submission).

Allele frequency attached by ClinVar (database versions not stated): gnomAD exomes below 0.00001.
gnomAD v4.1: 1 of 1,613,426 alleles (0.000062%); highest among the groups gnomAD compares: Non-Finnish European, 0.000085%; no homozygotes.

Submission:

Labcorp Genetics (formerly Invitae), Labcorp
Classification: Likely pathogenic. Last evaluated: 2022-11-14. Review status: criteria provided, single submitter. Criteria: Invitae Variant Classification Sherloc (09022015). Collection method: clinical testing. Allele origin: germline.
Comment: This variant has not been reported in the literature in individuals affected with TOP3A-related conditions. This sequence change affects an acceptor splice site in intron 4 of the TOP3A gene. It is expected to disrupt RNA splicing. Variants that disrupt the donor or acceptor splice site typically lead to a loss of protein function (PMID: 16199547), and loss-of-function variants in TOP3A are known to be pathogenic (PMID: 30057030). This variant is not present in population databases (gnomAD no frequency). Algorithms developed to predict the effect of sequence changes on RNA splicing suggest that this variant may disrupt the consensus splice site. In summary, the currently available evidence indicates that the variant is pathogenic, but additional data are needed to prove that conclusively. Therefore, this variant has been classified as Likely Pathogenic.

Literature cited by the submitters: PubMed 16199547; PubMed 30057030.

NM_004618.5(TOP3A):c.391-1G>A

Gene: TOP3A (DNA topoisomerase III alpha; minus strand). Cytogenetic location: 17p11.2.
Variant type: single nucleotide variant.
Coding change: c.391-1G>A on transcript NM_004618.5 (MANE Select); the canonical splice acceptor site of the intron before coding-DNA position 391, G replaced by A.
Molecular consequence: splice acceptor variant.
Genome position (GRCh38, 1-based): chr17:18,305,221, C>T on the plus strand (G>A on the coding strand, the complement: TOP3A is on the minus strand). VCF-style: chr17-18305221-C-T. GRCh37 (hg19) VCF-style: chr17-18208535-C-T.
Other names: c.106-1G>A (NM_001320759.2).
Identifiers: ClinVar variation 2814255 (VCV002814255.3), dbSNP rs2545625859, ClinGen allele CA398640552.